The following is an entry in ClinVar:

ClinVar aggregate classification (germline): Uncertain significance. Review status: criteria provided, multiple submitters, no conflicts (2 of 4 stars). 2 submissions from 2 submitters: Uncertain significance (2). Last evaluated 2025-02-20.

Conditions:
Hereditary cancer-predisposing syndrome. Also called: Hereditary neoplastic syndrome; Tumor predisposition; Hereditary Cancer Syndrome; Neoplastic Syndromes, Hereditary. Identifiers: Orphanet 140162, MedGen C0027672, MeSH D009386, MONDO:0015356.
EGFR-related lung cancer (EGFR). Identifiers: MedGen CN130014.

gnomAD v4.1: 1 of 1,614,028 alleles (0.000062%); highest among the groups gnomAD compares: African/African-American, 0.0013%; no homozygotes.

Submissions (2):

Ambry Genetics
Classification: Uncertain significance for Hereditary cancer-predisposing syndrome. Last evaluated: 2025-02-20. Review status: criteria provided, single submitter. Criteria: Ambry Variant Classification Scheme 2023. Collection method: clinical testing. Allele origin: germline.
Comment: The p.K261E variant (also known as c.781A>G), located in coding exon 7 of the EGFR gene, results from an A to G substitution at nucleotide position 781. The lysine at codon 261 is replaced by glutamic acid, an amino acid with similar properties. This amino acid position is conserved. In addition, this alteration is predicted to be deleterious by in silico analysis. Based on the available evidence, the clinical significance of this variant remains unclear.

Labcorp Genetics (formerly Invitae), Labcorp
Classification: Uncertain significance for EGFR-related lung cancer. Last evaluated: 2024-02-02. Review status: criteria provided, single submitter. Criteria: Invitae Variant Classification Sherloc (09022015). Collection method: clinical testing. Allele origin: germline.
Comment: This sequence change replaces lysine, which is basic and polar, with glutamic acid, which is acidic and polar, at codon 261 of the EGFR protein (p.Lys261Glu). This variant is not present in population databases (gnomAD no frequency). This variant has not been reported in the literature in individuals affected with EGFR-related conditions. Advanced modeling of protein sequence and biophysical properties (such as structural, functional, and spatial information, amino acid conservation, physicochemical variation, residue mobility, and thermodynamic stability) performed at Invitae indicates that this missense variant is not expected to disrupt EGFR protein function with a negative predictive value of 80%. In summary, the available evidence is currently insufficient to determine the role of this variant in disease. Therefore, it has been classified as a Variant of Uncertain Significance.

NM_005228.5(EGFR):c.781A>G (p.Lys261Glu)

Gene: EGFR (epidermal growth factor receptor; plus strand). Cytogenetic location: 7p11.2.
Variant type: single nucleotide variant.
Coding change: c.781A>G on transcript NM_005228.5 (MANE Select); coding-DNA position 781, A replaced by G.
Protein change: p.Lys261Glu; replaces lysine 261 with glutamic acid.
Molecular consequence: missense variant. On other transcripts: intron variant (1).
Genome position (GRCh38, 1-based): chr7:55,154,044, A>G. VCF-style: chr7-55154044-A-G. GRCh37 (hg19) VCF-style: chr7-55221737-A-G.
Other names: c.646A>G, p.Lys216Glu (NM_001346897.2, NM_001346899.2); c.781A>G, p.Lys261Glu (NM_001346898.2, NM_201282.2, NM_201283.2 and 1 more transcripts); c.622A>G, p.Lys208Glu (NM_001346900.2); c.89-1786A>G (NM_001346941.2); short protein forms K261E, K216E, K208E.
Identifiers: ClinVar variation 3638308 (VCV003638308.3).